The following is an entry in ClinVar:

ClinVar aggregate classification (germline): Likely benign. Review status: criteria provided, multiple submitters, no conflicts (2 of 4 stars). 2 submissions from 2 submitters: Likely benign (2). Last evaluated 2025-04-01.

Conditions:
Beckwith-Wiedemann syndrome (BWS). Also called: Exomphalos macroglossia gigantism syndrome; EMG SYNDROME. Identifiers: Orphanet 116, MedGen C0004903, MONDO:0007534, OMIM 130650.

Submissions (2):

CeGaT Center for Human Genetics Tuebingen
Classification: Likely benign. Last evaluated: 2025-04-01. Review status: criteria provided, single submitter. Criteria: CeGaT Center For Human Genetics Tuebingen Variant Classification Criteria Version 2. Collection method: clinical testing. Allele origin: germline. Affected: yes. Observed: 1 variant allele.
Comment: CDKN1C: PM2:Supporting, BP4, BP7

Labcorp Genetics (formerly Invitae), Labcorp
Classification: Likely benign for Beckwith-Wiedemann syndrome. Last evaluated: 2024-04-29. Review status: criteria provided, single submitter. Criteria: Invitae Variant Classification Sherloc (09022015). Collection method: clinical testing. Allele origin: germline.

NM_001122630.2(CDKN1C):c.510C>A (p.Ala170=)

Gene: CDKN1C (cyclin dependent kinase inhibitor 1C; minus strand). Cytogenetic location: 11p15.4.
Variant type: single nucleotide variant.
Coding change: c.510C>A on transcript NM_001122630.2 (MANE Select); coding-DNA position 510, C replaced by A.
Protein change: p.Ala170=; no amino-acid change (alanine 170 retained).
Molecular consequence: synonymous variant. On other transcripts: intron variant (1).
Genome position (GRCh38, 1-based): chr11:2,884,947, G>T on the plus strand (C>A on the coding strand, the complement: CDKN1C is on the minus strand). VCF-style: chr11-2884947-G-T. GRCh37 (hg19) VCF-style: chr11-2906177-G-T.
Other names: c.543C>A, p.Ala181= (NM_000076.2, NM_001362474.2); c.510C>A, p.Ala170= (NM_001122631.2); c.255+255C>A (NM_001362475.2).
Identifiers: ClinVar variation 1104224 (VCV001104224.16), dbSNP rs1476496963, ClinGen allele CA472832650.
Genomic context (GRCh38, chr11:2,884,947, plus strand): 5'-GGCTGGGGCCGGGGCCGCGACTGGAGCCGGGGCCGGAGCCGGAGCCGGAGCCGGGGCCGG[G>T]GCCGGGGCCAGGACCGCGACCGCGACCGGAGCCGCGACCGGAGCCGCGACCGGAGCCGGA-3'
Protein context (NP_001116102.1, residues 160-180): APVAVAVLAP[Ala170=]PAPAPAPAPA